The following is an entry in ClinVar:

ClinVar aggregate classification (germline): Uncertain significance. Review status: criteria provided, multiple submitters, no conflicts (2 of 4 stars). 2 submissions from 2 submitters: Uncertain significance (2). Last evaluated 2025-12-29.

Conditions:
Aicardi-Goutieres syndrome 5. Identifiers: Orphanet 51, MedGen C2749659, MONDO:0013059, OMIM 612952.

Submissions (2):

Women's Health and Genetics/Laboratory Corporation of America, LabCorp
Classification: Uncertain significance. Last evaluated: 2025-12-29. Review status: criteria provided, single submitter. Criteria: LabCorp Variant Classification Summary - May 2015. Collection method: clinical testing. Allele origin: germline.
Comment: Variant summary: SAMHD1 c.1401_1406delGATTAA (p.Ile468_Lys469del) results in an in-frame deletion that is predicted to remove 2 amino acids from the encoded protein. The variant allele was found at a frequency of 4e-06 in 251432 control chromosomes (gnomAD). The available data on variant occurrences in the general population are insufficient to allow any conclusion about variant significance. To our knowledge, no occurrence of c.1401_1406delGATTAA in individuals affected with SAMHD1-related conditions and no experimental evidence demonstrating its impact on protein function have been reported. ClinVar contains an entry for this variant (Variation ID: 2148323). Based on the evidence outlined above, the variant was classified as uncertain significance.

Labcorp Genetics (formerly Invitae), Labcorp
Classification: Uncertain significance for Aicardi-Goutieres syndrome 5. Last evaluated: 2022-04-17. Review status: criteria provided, single submitter. Criteria: Invitae Variant Classification Sherloc (09022015). Collection method: clinical testing. Allele origin: germline.
Comment: This variant, c.1401_1406del, results in the deletion of 2 amino acid(s) of the SAMHD1 protein (p.Ile468_Lys469del), but otherwise preserves the integrity of the reading frame. This variant is not present in population databases (gnomAD no frequency). This variant has not been reported in the literature in individuals affected with SAMHD1-related conditions. Experimental studies and prediction algorithms are not available or were not evaluated, and the functional significance of this variant is currently unknown. In summary, the available evidence is currently insufficient to determine the role of this variant in disease. Therefore, it has been classified as a Variant of Uncertain Significance.

NM_015474.4(SAMHD1):c.1401_1406del (p.466IK[1])

Gene: SAMHD1 (SAM and HD domain containing deoxynucleoside triphosphate triphosphohydrolase 1; minus strand). Cytogenetic location: 20q11.23.
Variant type: Deletion.
Coding change: c.1401_1406del on transcript NM_015474.4 (MANE Select); coding-DNA positions 1401 to 1406, 6 bases deleted (GATTAA; older notation c.1401_1406delGATTAA).
Protein change: p.466IK[1].
Molecular consequence: inframe deletion.
Genome position (GRCh38, 1-based): chr20:36,905,368-36,905,373, TTAATC deleted on the plus strand (GATTAA on the coding strand, the reverse complement: SAMHD1 is on the minus strand); deleting any 6 consecutive bases within chr20:36,905,368-36,905,375 gives the same sequence; the c. name uses the placement nearest the transcript's 3' end. VCF-style (leftmost placement, unchanged base first): chr20-36905367-TTTAATC-T. GRCh37 (hg19) VCF-style: chr20-35533770-TTTAATC-T.
Other names: c.1401_1406delGATTAA (NM_015474.4); c.1401_1406del, p.466IK[1] (NM_001363729.2, NM_001363733.2).
Identifiers: ClinVar variation 2148323 (VCV002148323.3), dbSNP rs767953132, ClinGen allele CA9844518.